The following is an entry in ClinVar:

ClinVar aggregate classification (germline): Uncertain significance (1 of 4 stars; one submission).

Conditions:
Hereditary cancer-predisposing syndrome. Also called: Tumor predisposition; Neoplastic Syndromes, Hereditary; Hereditary neoplastic syndrome; Hereditary Cancer Syndrome. Identifiers: Orphanet 140162, MedGen C0027672, MeSH D009386, MONDO:0015356.

gnomAD v4.1: 1 of 1,614,162 alleles (0.000062%); no homozygotes.

Submission:

Ambry Genetics
Classification: Uncertain significance for Hereditary cancer-predisposing syndrome. Last evaluated: 2024-09-18. Review status: criteria provided, single submitter. Criteria: Ambry Variant Classification Scheme 2023. Collection method: clinical testing. Allele origin: germline.
Comment: The p.V327G variant (also known as c.980T>G), located in coding exon 3 of the AXIN2 gene, results from a T to G substitution at nucleotide position 980. The valine at codon 327 is replaced by glycine, an amino acid with dissimilar properties. This amino acid position is conserved. In addition, this alteration is predicted to be tolerated by in silico analysis. Based on the available evidence, the clinical significance of this variant remains unclear.

NM_004655.4(AXIN2):c.980T>G (p.Val327Gly)

Gene: AXIN2 (axin 2; minus strand). Cytogenetic location: 17q24.1.
Variant type: single nucleotide variant.
Coding change: c.980T>G on transcript NM_004655.4 (MANE Select); coding-DNA position 980, T replaced by G.
Protein change: p.Val327Gly; replaces valine 327 with glycine.
Molecular consequence: missense variant.
Genome position (GRCh38, 1-based): chr17:65,541,534, A>C on the plus strand (T>G on the coding strand, the complement: AXIN2 is on the minus strand). VCF-style: chr17-65541534-A-C. GRCh37 (hg19) VCF-style: chr17-63537652-A-C.
Other names: c.980T>G, p.Val327Gly (NM_001363813.1); short protein forms V327G.
Identifiers: ClinVar variation 3470405 (VCV003470405.1).